The following is an entry in ClinVar:

ClinVar aggregate classification (germline): Conflicting classifications of pathogenicity. Review status: criteria provided, conflicting classifications (1 of 4 stars). 4 submissions from 4 submitters: Uncertain significance (2); Likely benign (1). 1 of the submissions does not count toward it. Last evaluated 2025-12-24.

Conditions:
NF1-related disorder. Also called: NF1-related condition. Identifiers: MedGen CN379171.
Cardiovascular phenotype. Identifiers: MedGen CN230736.
Hereditary cancer-predisposing syndrome. Also called: Hereditary Cancer Syndrome; Hereditary neoplastic syndrome; Tumor predisposition; Neoplastic Syndromes, Hereditary. Identifiers: Orphanet 140162, MedGen C0027672, MeSH D009386, MONDO:0015356.
Neurofibromatosis, type 1 (NF1). Also called: VON RECKLINGHAUSEN DISEASE; NEUROFIBROMATOSIS, TYPE I, SOMATIC; Peripheral type neurofibromatosis; Neurofibromatosis, type I. Identifiers: Orphanet 636, MedGen C0027831, MONDO:0018975, OMIM 162200. Disease mechanism: loss of function.
Juvenile myelomonocytic leukemia (JMML). Also called: LEUKEMIA, JUVENILE MYELOMONOCYTIC, SOMATIC. Identifiers: Orphanet 86834, MedGen C0349639, MONDO:0011908, OMIM 607785, HP:0012209.

Allele frequency attached by ClinVar (database versions not stated): gnomAD exomes below 0.00001 and 0.00001.
gnomAD v4.1: 8 of 1,613,908 alleles (0.0005%); highest among the groups gnomAD compares: Non-Finnish European, 0.00068%; no homozygotes.

Submissions (4):

Labcorp Genetics (formerly Invitae), Labcorp
Classification: Likely benign for Neurofibromatosis, type 1. Last evaluated: 2025-12-24. Review status: criteria provided, single submitter. Criteria: Invitae Variant Classification Sherloc (09022015). Collection method: clinical testing. Allele origin: germline.

Ambry Genetics
Classification: Uncertain significance for Cardiovascular phenotype; Hereditary cancer-predisposing syndrome. Last evaluated: 2024-10-08. Review status: criteria provided, single submitter. Criteria: Ambry Variant Classification Scheme 2023. Collection method: clinical testing. Allele origin: germline.
Comment: The p.P1466S variant (also known as c.4396C>T), located in coding exon 33 of the NF1 gene, results from a C to T substitution at nucleotide position 4396. The proline at codon 1466 is replaced by serine, an amino acid with similar properties. This amino acid position is highly conserved in available vertebrate species. In addition, the in silico prediction for this alteration is inconclusive. Since supporting evidence is limited at this time, the clinical significance of this alteration remains unclear.

Baylor Genetics
Classification: Uncertain significance for Juvenile myelomonocytic leukemia. Last evaluated: 2024-02-18. Review status: criteria provided, single submitter. Criteria: ACMG Guidelines, 2015. Collection method: clinical testing. Allele origin: unknown.

PreventionGenetics, part of Exact Sciences
Classification: Uncertain significance for NF1-related condition. Last evaluated: 2024-04-30. Review status: no assertion criteria provided. Collection method: clinical testing. Allele origin: germline. Not counted in ClinVar's aggregate classification.
Comment: The NF1 c.4459C>T variant is predicted to result in the amino acid substitution p.Pro1487Ser. To our knowledge, this variant has not been reported in the literature. This variant is reported in 0.00088% of alleles in individuals of European (Non-Finnish) descent in gnomAD and is interpreted as uncertain in ClinVar. At this time, the clinical significance of this variant is uncertain due to the absence of conclusive functional and genetic evidence.

NM_001042492.3(NF1):c.4459C>T (p.Pro1487Ser)

Gene: NF1 (neurofibromin 1; plus strand). Cytogenetic location: 17q11.2.
Variant type: single nucleotide variant.
Coding change: c.4459C>T on transcript NM_001042492.3 (MANE Select); coding-DNA position 4459, C replaced by T.
Protein change: p.Pro1487Ser; replaces proline 1487 with serine.
Molecular consequence: missense variant.
Genome position (GRCh38, 1-based): chr17:31,260,397, C>T. VCF-style: chr17-31260397-C-T. GRCh37 (hg19) VCF-style: chr17-29587415-C-T.
Other names: c.4396C>T, p.Pro1466Ser (NM_000267.4); short protein forms P1466S, P1487S.
Identifiers: ClinVar variation 457701 (VCV000457701.11), dbSNP rs1265291141, ClinGen allele CA398999271.